The following is an entry in ClinVar:

ClinVar aggregate classification (germline): Uncertain significance (1 of 4 stars; one submission).

Conditions:
Sialuria. Also called: Sialic Acid Storage Disease; SIALURIA, FRENCH TYPE. Identifiers: Orphanet 3166, MedGen C0342853, MONDO:0010028, OMIM 269921.
GNE myopathy (NM). Also called: INCLUSION BODY MYOPATHY 2, AUTOSOMAL RECESSIVE; INCLUSION BODY MYOPATHY, HEREDITARY, AUTOSOMAL RECESSIVE; MYOPATHY, DISTAL, WITH OR WITHOUT RIMMED VACUOLES; IBM 2; Inclusion body myopathy autosomal recessive; Inclusion body myopathy quadriceps sparing. Identifiers: Orphanet 602, MedGen C1853926, MONDO:0011603, OMIM 605820.

Submission:

Labcorp Genetics (formerly Invitae), Labcorp
Classification: Uncertain significance for Sialuria; GNE myopathy. Last evaluated: 2024-06-10. Review status: criteria provided, single submitter. Criteria: Invitae Variant Classification Sherloc (09022015). Collection method: clinical testing. Allele origin: germline.
Comment: This sequence change falls in intron 7 of the GNE gene. It does not directly change the encoded amino acid sequence of the GNE protein. The frequency data for this variant in the population databases is considered unreliable, as metrics indicate poor data quality at this position in the gnomAD database. This variant has not been reported in the literature in individuals affected with GNE-related conditions. Experimental studies and prediction algorithms are not available or were not evaluated, and the effect of this variant on mRNA splicing is currently unknown. In summary, the available evidence is currently insufficient to determine the role of this variant in disease. Therefore, it has been classified as a Variant of Uncertain Significance.

NM_005476.7(GNE):c.1282-18_1282-17insCTCCTGACCTCATGATCCACCCGCCTCGG

Gene: GNE (glucosamine (UDP-N-acetyl)-2-epimerase/N-acetylmannosamine kinase; minus strand). Cytogenetic location: 9p13.3.
Variant type: Insertion.
Coding change: c.1282-18_1282-17insCTCCTGACCTCATGATCCACCCGCCTCGG on transcript NM_005476.7 (MANE Select); 18 bases into the intron before coding-DNA position 1282 through 17 bases into the intron before coding-DNA position 1282, CTCCTGACCTCATGATCCACCCGCCTCGG inserted.
Molecular consequence: intron variant.
Genome position: GRCh38 VCF-style: chr9-36223519-C-CCCGAGGCGGGTGGATCATGAGGTCAGGAG. GRCh37 (hg19) VCF-style: chr9-36223516-C-CCCGAGGCGGGTGGATCATGAGGTCAGGAG.
Other names: c.1105-18_1105-17insCTCCTGACCTCATGATCCACCCGCCTCGG (NM_001190388.2, NM_001374798.1); c.1375-18_1375-17insCTCCTGACCTCATGATCCACCCGCCTCGG (NM_001128227.3); c.952-18_952-17insCTCCTGACCTCATGATCCACCCGCCTCGG (NM_001190384.3); c.1129-18_1129-17insCTCCTGACCTCATGATCCACCCGCCTCGG (NM_001374797.1); c.1282-18_1282-17insCTCCTGACCTCATGATCCACCCGCCTCGG (NM_001190383.3).
Identifiers: ClinVar variation 3747903 (VCV003747903.2).